The following is an entry in ClinVar:

NM_007214.5(SEC63):c.*1526T>C

Gene: SEC63 (SEC63 homolog, protein translocation regulator; minus strand). Cytogenetic location: 6q21.
Variant type: single nucleotide variant.
Coding change: c.*1526T>C on transcript NM_007214.5 (MANE Select); 1526 bases downstream of the stop codon, T replaced by C.
Molecular consequence: 3 prime UTR variant.
Genome position (GRCh38, 1-based): chr6:107,870,178, A>G on the plus strand (T>C on the coding strand, the complement: SEC63 is on the minus strand). VCF-style: chr6-107870178-A-G. GRCh37 (hg19) VCF-style: chr6-108191382-A-G.
Identifiers: ClinVar variation 354868 (VCV000354868.5), dbSNP rs557911, ClinGen allele CA10625589.

ClinVar aggregate classification (germline): Benign (1 of 4 stars; one submission).

Conditions:
Polycystic liver disease 2 (PCLD2). Also called: Polycystic liver disease 2 with or without kidney cysts. Identifiers: Orphanet 2924, MedGen C4310769, MONDO:0014860, OMIM 617004.

Allele frequency attached by ClinVar (database versions not stated): 1000 Genomes Project 0.86242; 1000 Genomes Project 30x 0.86774; TOPMed 0.88527; gnomAD exomes 0.84091; gnomAD 0.88213 and 0.88058.
gnomAD v4.1: 134,434 of 152,748 alleles (88%); highest among the groups gnomAD compares: Middle Eastern, 92%; 59,313 homozygotes.

Submission:

Illumina Laboratory Services, Illumina
Classification: Benign for Polycystic liver disease 2. Last evaluated: 2018-01-13. Review status: criteria provided, single submitter. Criteria: ICSL Variant Classification Criteria 13 December 2019. Collection method: clinical testing. Allele origin: germline.
Comment: This variant was observed in the ICSL laboratory as part of a predisposition screen in an ostensibly healthy population. It had not been previously curated by ICSL or reported in the Human Gene Mutation Database (HGMD: prior to June 1st, 2018), and was therefore a candidate for classification through an automated scoring system. Utilizing variant allele frequency, disease prevalence and penetrance estimates, and inheritance mode, an automated score was calculated to assess if this variant is too frequent to cause the disease. Based on the score and internal cut-off values, a variant classified as benign is not then subjected to further curation. The score for this variant resulted in a classification of benign for this disease.